The following is an entry in ClinVar:

ClinVar aggregate classification (germline): Uncertain significance. Review status: criteria provided, multiple submitters, no conflicts (2 of 4 stars). 2 submissions from 2 submitters: Uncertain significance (2). Last evaluated 2025-10-30.

Conditions:
Hereditary cancer-predisposing syndrome. Also called: Neoplastic Syndromes, Hereditary; Tumor predisposition; Hereditary neoplastic syndrome; Hereditary Cancer Syndrome. Identifiers: Orphanet 140162, MedGen C0027672, MeSH D009386, MONDO:0015356.

Allele frequency attached by ClinVar (database versions not stated): gnomAD exomes below 0.00001.
gnomAD v4.1: 2 of 1,613,834 alleles (0.00012%); highest among the groups gnomAD compares: Non-Finnish European, 0.00017%; no homozygotes.

Submissions (2):

Ambry Genetics
Classification: Uncertain significance for Hereditary cancer-predisposing syndrome. Last evaluated: 2025-10-30. Review status: criteria provided, single submitter. Criteria: Ambry Variant Classification Scheme 2023. Collection method: clinical testing. Allele origin: germline.
Comment: The p.Y1922C variant (also known as c.5765A>G), located in coding exon 42 of the POLE gene, results from an A to G substitution at nucleotide position 5765. The tyrosine at codon 1922 is replaced by cysteine, an amino acid with highly dissimilar properties. This amino acid position is conserved. In addition, the in silico prediction for this alteration is inconclusive. Since supporting evidence is limited at this time, the clinical significance of this alteration remains unclear.

Labcorp Genetics (formerly Invitae), Labcorp
Classification: Uncertain significance. Last evaluated: 2025-08-07. Review status: criteria provided, single submitter. Criteria: Invitae Variant Classification Sherloc (09022015). Collection method: clinical testing. Allele origin: germline.
Comment: This sequence change replaces tyrosine, which is neutral and polar, with cysteine, which is neutral and slightly polar, at codon 1922 of the POLE protein (p.Tyr1922Cys). This variant is not present in population databases (gnomAD no frequency). This variant has not been reported in the literature in individuals affected with POLE-related conditions. ClinVar contains an entry for this variant (Variation ID: 839193). Invitae Evidence Modeling of protein sequence and biophysical properties (such as structural, functional, and spatial information, amino acid conservation, physicochemical variation, residue mobility, and thermodynamic stability) indicates that this missense variant is not expected to disrupt POLE protein function with a negative predictive value of 80%. In summary, the available evidence is currently insufficient to determine the role of this variant in disease. Therefore, it has been classified as a Variant of Uncertain Significance.

NM_006231.4(POLE):c.5765A>G (p.Tyr1922Cys)

Gene: POLE (DNA polymerase epsilon, catalytic subunit; minus strand). Cytogenetic location: 12q24.33.
Variant type: single nucleotide variant.
Coding change: c.5765A>G on transcript NM_006231.4 (MANE Select); coding-DNA position 5765, A replaced by G.
Protein change: p.Tyr1922Cys; replaces tyrosine 1922 with cysteine.
Molecular consequence: missense variant.
Genome position (GRCh38, 1-based): chr12:132,635,938, T>C on the plus strand (A>G on the coding strand, the complement: POLE is on the minus strand). VCF-style: chr12-132635938-T-C. GRCh37 (hg19) VCF-style: chr12-133212524-T-C.
Other names: short protein forms Y1922C.
Identifiers: ClinVar variation 839193 (VCV000839193.13), dbSNP rs1030387176, ClinGen allele CA246296933.